The following is an entry in ClinVar:

NM_001376.5(DYNC1H1):c.11942-20_11947dup

Gene: DYNC1H1 (dynein cytoplasmic 1 heavy chain 1; plus strand). Cytogenetic location: 14q32.31.
Variant type: Duplication.
Coding change: c.11942-20_11947dup on transcript NM_001376.5 (MANE Select); 20 bases into the intron before coding-DNA position 11942 through coding-DNA position 11947, 26 bases duplicated (CCCCTCTGTACCTGTTTCAGCACCCA).
Molecular consequence: splice acceptor variant.
Genome position (GRCh38, 1-based): chr14:102,041,554-102,041,579, CCCCTCTGTACCTGTTTCAGCACCCA duplicated; duplicating any 26 consecutive bases within chr14:102,041,545-102,041,579 gives the same sequence; the c. name uses the placement nearest the transcript's 3' end. VCF-style (leftmost placement, unchanged base first): chr14-102041544-C-CCAGCACCCACCCCTCTGTACCTGTTT. GRCh37 (hg19) VCF-style: chr14-102507881-C-CCAGCACCCACCCCTCTGTACCTGTTT.
Other names: c.11942-20_11947dup26 (NM_001376.4).
Identifiers: ClinVar variation 1305081 (VCV001305081.10), dbSNP rs745960214, ClinGen allele CA7353791.
Genomic context (GRCh38, chr14:102,041,544, plus strand): 5'-TGGGTACTTTGGGAAGAACAGTCCAGGCAGGGGAGGGCGTCTCTGAGTCCATGCTTCCAC[C>CCAGCACCCACCCCTCTGTACCTGTTT]CAGCACCCACCCCTCTGTACCTGTTTCAGCACCCATTGGCCAGGCCATCCACCGCCTGCT-3'

ClinVar aggregate classification (germline): Conflicting classifications of pathogenicity. Review status: criteria provided, conflicting classifications (1 of 4 stars). 4 submissions from 4 submitters: Uncertain significance (1); Benign (2). 1 of the submissions does not count toward it. Last evaluated 2024-10-08.

Conditions:
DYNC1H1-related disorder. Also called: DYNC1H1-related condition; DYNC1H1-related disorders. Identifiers: MedGen CN381529.
Inborn genetic diseases. Identifiers: MedGen C0950123, MeSH D030342.
Charcot-Marie-Tooth disease axonal type 2O. Also called: Charcot-Marie-Tooth Neuropathy Type 2O; CHARCOT-MARIE-TOOTH NEUROPATHY, AXONAL, TYPE 2O; CHARCOT-MARIE-TOOTH DISEASE, AXONAL, AUTOSOMAL DOMINANT, TYPE 2O; Charcot-Marie-Tooth disease, axonal, type 20. Identifiers: Orphanet 284232, MedGen C3280220, MONDO:0013644, OMIM 614228.

Submissions (4):

Labcorp Genetics (formerly Invitae), Labcorp
Classification: Benign for Charcot-Marie-Tooth disease axonal type 2O. Last evaluated: 2024-10-08. Review status: criteria provided, single submitter. Criteria: Invitae Variant Classification Sherloc (09022015). Collection method: clinical testing. Allele origin: germline.

GeneDx
Classification: Uncertain significance. Last evaluated: 2022-10-27. Review status: criteria provided, single submitter. Criteria: GeneDx Variant Classification Process June 2021. Collection method: clinical testing. Allele origin: germline. Affected: yes.
Comment: Not observed at significant frequency in large population cohorts (gnomAD); In silico analysis supports a deleterious effect on splicing; Has not been previously published as pathogenic or benign to our knowledge; This variant is associated with the following publications: (PMID: 26100331, 25609763, 25512093)

Ambry Genetics
Classification: Benign for Inborn genetic diseases. Last evaluated: 2022-01-04. Review status: criteria provided, single submitter. Criteria: Ambry Variant Classification Scheme 2023. Collection method: clinical testing. Allele origin: germline.

PreventionGenetics, part of Exact Sciences
Classification: Likely benign for DYNC1H1-related condition. Last evaluated: 2023-04-11. Review status: no assertion criteria provided. Collection method: clinical testing. Allele origin: germline. Not counted in ClinVar's aggregate classification.
Comment: This variant is classified as likely benign based on ACMG/AMP sequence variant interpretation guidelines (Richards et al. 2015 PMID: 25741868, with internal and published modifications).